The following is an entry in ClinVar:

NM_000051.4(ATM):c.7473G>T (p.Trp2491Cys)

Genes: ATM (ATM serine/threonine kinase; plus strand), C11orf65 (chromosome 11 open reading frame 65; minus strand). Cytogenetic location: 11q22.3.
Variant type: single nucleotide variant.
Coding change: c.7473G>T on transcript NM_000051.4 (MANE Select); coding-DNA position 7473, G replaced by T.
Protein change: p.Trp2491Cys; replaces tryptophan 2491 with cysteine.
Molecular consequence: missense variant. On other transcripts: intron variant (2).
Genome position (GRCh38, 1-based): chr11:108,330,379, G>T. VCF-style: chr11-108330379-G-T. GRCh37 (hg19) VCF-style: chr11-108201106-G-T.
Other names: c.7473G>T, p.Trp2491Cys (NM_001351834.2); c.641-21308C>A (NM_001330368.2); c.*38+4841C>A (NM_001351110.2); short protein forms W2491C.
Identifiers: ClinVar variation 482574 (VCV000482574.13), dbSNP rs1555123257, ClinGen allele CA382560446.
Genomic context (GRCh38, chr11:108,330,379, plus strand): 5'-CAACTGCTTATTAAGTGGAGAAGAACATGATATGTGGGTATTCCGACTTTGTTCCCTCTG[G>T]CTTGAAAATTCTGGAGTTTCTGAAGTCAATGGCATGATGAAGGCAAGTGTTACTCAGCCC-3'
Protein context (NP_000042.3, residues 2481-2501): DMWVFRLCSL[Trp2491Cys]LENSGVSEVN

ClinVar aggregate classification (germline): Uncertain significance. Review status: criteria provided, multiple submitters, no conflicts (2 of 4 stars). 2 submissions from 2 submitters: Uncertain significance (2). Last evaluated 2020-07-26.

Conditions:
Hereditary cancer-predisposing syndrome. Also called: Neoplastic Syndromes, Hereditary; Hereditary Cancer Syndrome; Tumor predisposition; Hereditary neoplastic syndrome. Identifiers: Orphanet 140162, MedGen C0027672, MeSH D009386, MONDO:0015356.
Ataxia-telangiectasia syndrome (AT). Also called: LOUIS-BAR SYNDROME; Cerebello-oculocutaneous telangiectasia; Immunodeficiency with ataxia telangiectasia; Ataxia-telangiectasia, complementation group D; AT, COMPLEMENTATION GROUP C; Ataxia-telangiectasia, complementation group E. Identifiers: Orphanet 100, MedGen C0004135, MONDO:0008840, OMIM 208900.

Submissions (2):

Labcorp Genetics (formerly Invitae), Labcorp
Classification: Uncertain significance for Ataxia-telangiectasia syndrome. Last evaluated: 2020-07-26. Review status: criteria provided, single submitter. Criteria: Invitae Variant Classification Sherloc (09022015). Collection method: clinical testing. Allele origin: germline.
Comment: This variant has not been reported in the literature in individuals with ATM-related disease. ClinVar contains an entry for this variant (Variation ID: 482574). This variant is not present in population databases (ExAC no frequency). This sequence change replaces tryptophan with cysteine at codon 2491 of the ATM protein (p.Trp2491Cys). The tryptophan residue is highly conserved and there is a large physicochemical difference between tryptophan and cysteine. In summary, the available evidence is currently insufficient to determine the role of this variant in disease. Therefore, it has been classified as a Variant of Uncertain Significance. Algorithms developed to predict the effect of missense changes on protein structure and function (SIFT, PolyPhen-2, Align-GVGD) all suggest that this variant is likely to be disruptive, but these predictions have not been confirmed by published functional studies and their clinical significance is uncertain.

Ambry Genetics
Classification: Uncertain significance for Hereditary cancer-predisposing syndrome. Last evaluated: 2016-03-09. Review status: criteria provided, single submitter. Criteria: Ambry Variant Classification Scheme 2023. Collection method: clinical testing. Allele origin: germline.
Comment: The p.W2491C variant (also known as c.7473G>T), located in coding exon 49 of the ATM gene, results from a G to T substitution at nucleotide position 7473. The tryptophan at codon 2491 is replaced by cysteine, an amino acid with highly dissimilar properties. This variant was not reported in population based cohorts in the following databases: Database of Single Nucleotide Polymorphisms (dbSNP), NHLBI Exome Sequencing Project (ESP), and 1000 Genomes Project. In the ESP, this variant was not observed in 6499 samples (12998 alleles) with coverage at this position. To date, this alteration has been detected with an allele frequency of approximately 0.001% (greater than 125000 alleles tested) in our clinical cohort. This amino acid position is highly conserved in available vertebrate species. In addition, this alteration is predicted to be deleterious by in silico analysis. Since supporting evidence is limited at this time, the clinical significance of this alteration remains unclear.

Literature cited by the submitters: PubMed 22529920 (cited by Ambry Genetics); PubMed 9792410 (cited by Ambry Genetics).